The following is an entry in ClinVar:

NM_144666.3(DNHD1):c.13204del (p.Gln4402fs)

Gene: DNHD1 (dynein heavy chain domain 1; plus strand). Cytogenetic location: 11p15.4.
Variant type: Deletion.
Coding change: c.13204del on transcript NM_144666.3 (MANE Select); coding-DNA position 13204, one base deleted (C; older notation c.13204delC).
Protein change: p.Gln4402fs; shifts the reading frame from glutamine 4402.
Molecular consequence: frameshift variant.
Genome position (GRCh38, 1-based): chr11:6,570,716, C deleted; the last of 5 consecutive C bases (chr11:6,570,712-6,570,716); deleting any one gives the same sequence. VCF-style (leftmost placement, unchanged base first): chr11-6570711-GC-G. GRCh37 (hg19) VCF-style: chr11-6591941-GC-G.
Other names: short protein forms Q4402fs.
Identifiers: ClinVar variation 5004949 (VCV005004949.2).

ClinVar aggregate classification (germline): Likely pathogenic (1 of 4 stars; one submission).

Conditions:
Spermatogenic failure 65 (SPGF65). Identifiers: MedGen C5562067, MONDO:0030531, OMIM 619712.

Submission:

Juno Genomics, Hangzhou Juno Genomics, Inc
Classification: Likely pathogenic for Spermatogenic failure 65. Review status: criteria provided, single submitter. Criteria: ACMG Guidelines, 2015. Collection method: clinical testing. Allele origin: germline.
Comment: Null variant in a gene where loss of function (LOF) is a known mechanism of disease.;Absent from controls (or at extremely low frequency if recessive) in Genome Aggregation Database.